The following is an entry in ClinVar:

ClinVar aggregate classification (germline): Uncertain significance (1 of 4 stars; one submission).

Conditions:
Oligodontia-cancer predisposition syndrome. Also called: TOOTH AGENESIS-COLORECTAL CANCER SYNDROME. Identifiers: Orphanet 300576, MedGen C1837750, MONDO:0012075, OMIM 608615. Disease mechanism: loss of function.

Submission:

Labcorp Genetics (formerly Invitae), Labcorp
Classification: Uncertain significance for Oligodontia-cancer predisposition syndrome. Last evaluated: 2022-09-10. Review status: criteria provided, single submitter. Criteria: Invitae Variant Classification Sherloc (09022015). Collection method: clinical testing. Allele origin: germline.
Comment: This sequence change replaces glutamic acid, which is acidic and polar, with lysine, which is basic and polar, at codon 433 of the AXIN2 protein (p.Glu433Lys). This variant is not present in population databases (gnomAD no frequency). This variant has not been reported in the literature in individuals affected with AXIN2-related conditions. ClinVar contains an entry for this variant (Variation ID: 1369066). Advanced modeling of protein sequence and biophysical properties (such as structural, functional, and spatial information, amino acid conservation, physicochemical variation, residue mobility, and thermodynamic stability) performed at Invitae indicates that this missense variant is expected to disrupt AXIN2 protein function. In summary, the available evidence is currently insufficient to determine the role of this variant in disease. Therefore, it has been classified as a Variant of Uncertain Significance.

NM_004655.4(AXIN2):c.1297G>A (p.Glu433Lys)

Gene: AXIN2 (axin 2; minus strand). Cytogenetic location: 17q24.1.
Variant type: single nucleotide variant.
Coding change: c.1297G>A on transcript NM_004655.4 (MANE Select); coding-DNA position 1297, G replaced by A.
Protein change: p.Glu433Lys; replaces glutamic acid 433 with lysine.
Molecular consequence: missense variant.
Genome position (GRCh38, 1-based): chr17:65,537,739, C>T on the plus strand (G>A on the coding strand, the complement: AXIN2 is on the minus strand). VCF-style: chr17-65537739-C-T. GRCh37 (hg19) VCF-style: chr17-63533857-C-T.
Other names: c.1297G>A, p.Glu433Lys (NM_001363813.1); short protein forms E433K.
Identifiers: ClinVar variation 1369066 (VCV001369066.8), dbSNP rs1168951676, ClinGen allele CA400677794.
Genomic context (GRCh38, chr17:65,537,739, plus strand): 5'-GGCAGCCAGGGGTCTTGAGGACCCTGGACAGGTGATCGTCCAGTATCGTCTGCGGGTCTT[C>T]CTCGTAGCTGCCGGAGGGCAGTAGGGAGAGGGGGTGCTGCGTGGGCGCCCCCTCCCGCGA-3'
Protein context (NP_004646.3, residues 423-443): LSLLPSGSYE[Glu433Lys]DPQTILDDHL